The following is an entry in ClinVar:

NM_000138.5(FBN1):c.7472_7475del (p.Thr2491fs)

Gene: FBN1 (fibrillin 1; minus strand). Cytogenetic location: 15q21.1.
Variant type: Deletion.
Coding change: c.7472_7475del on transcript NM_000138.5 (MANE Select); coding-DNA positions 7472 to 7475, 4 bases deleted (CCAA; older notation c.7472_7475delCCAA).
Protein change: p.Thr2491fs; shifts the reading frame from threonine 2491.
Molecular consequence: frameshift variant.
Genome position (GRCh38, 1-based): chr15:48,422,047-48,422,050, TTGG deleted on the plus strand (CCAA on the coding strand, the reverse complement: FBN1 is on the minus strand); deleting any 4 consecutive bases within chr15:48,422,047-48,422,053 gives the same sequence; the c. name uses the placement nearest the transcript's 3' end. VCF-style (leftmost placement, unchanged base first): chr15-48422046-CTTGG-C. GRCh37 (hg19) VCF-style: chr15-48714243-CTTGG-C.
Other names: c.7469_7472delCAAC, p.Thr2491Serfs (NM_001406716.1); c.7472_7475delCCAA (NM_000138.4); short protein forms T2491fs.
Identifiers: ClinVar variation 1759063 (VCV001759063.2), dbSNP rs2505399859, ClinGen allele CA2580089599.

ClinVar aggregate classification (germline): Pathogenic (1 of 4 stars; one submission).

Conditions:
Familial thoracic aortic aneurysm and aortic dissection (TAAD). Also called: Thoracic aortic aneurysms and dissections. Identifiers: Orphanet 91387, MedGen C4707243, MONDO:0019625.

Submission:

Ambry Genetics
Classification: Pathogenic for Familial thoracic aortic aneurysm and aortic dissection. Last evaluated: 2021-08-19. Review status: criteria provided, single submitter. Criteria: Ambry Variant Classification Scheme 2023. Collection method: clinical testing. Allele origin: germline.
Comment: The c.7472_7475delCCAA pathogenic mutation, located in coding exon 60 of the FBN1 gene, results from a deletion of 4 nucleotides at nucleotide positions 7472 to 7475, causing a translational frameshift with a predicted alternate stop codon (p.T2491Sfs*190). This alteration is expected to result in loss of function by premature protein truncation or nonsense-mediated mRNA decay. As such, this alteration is interpreted as a disease-causing mutation.